The following is an entry in ClinVar:

ClinVar aggregate classification (germline): Conflicting classifications of pathogenicity. Review status: criteria provided, conflicting classifications (1 of 4 stars). 7 submissions from 7 submitters: Uncertain significance (2); Likely benign (4). 1 of the submissions does not count toward it. Last evaluated 2026-09-01.

Conditions:
DCHS1-related disorder. Also called: DCHS1-related condition.
Van Maldergem syndrome 1 (VMLDS1). Also called: Van Maldergem syndrome 1 (VMLDS1). Identifiers: Orphanet 314679, MedGen C4551950, MONDO:0011070, OMIM 601390.

Allele frequency attached by ClinVar (database versions not stated): 1000 Genomes Project 30x 0.00062; ESP Exome Variant Server 0.00093; TOPMed 0.00199; ExAC 0.00250; gnomAD exomes 0.00250 and 0.00302; gnomAD 0.00259 and 0.00269.
gnomAD v4.1: 4,564 of 1,543,990 alleles (0.3%); highest among the groups gnomAD compares: Non-Finnish European, 0.34%; 6 homozygotes.

Submissions (7):

CeGaT Center for Human Genetics Tuebingen
Classification: Likely benign. Last evaluated: 2026-09-01. Review status: criteria provided, single submitter. Criteria: CeGaT Center For Human Genetics Tuebingen Variant Classification Criteria Version 2. Collection method: clinical testing. Allele origin: germline. Affected: yes. Observed: 20 variant alleles.
Comment: DCHS1: BS2

Labcorp Genetics (formerly Invitae), Labcorp
Classification: Likely benign. Last evaluated: 2026-01-25. Review status: criteria provided, single submitter. Criteria: Invitae Variant Classification Sherloc (09022015). Collection method: clinical testing. Allele origin: germline.

Blueprint Genetics
Classification: Likely benign. Last evaluated: 2024-11-25. Review status: criteria provided, single submitter. Criteria: ACMG Guidelines, 2015. Collection method: clinical testing. Allele origin: germline.

GeneDx
Classification: Likely benign. Last evaluated: 2023-08-02. Review status: criteria provided, single submitter. Criteria: GeneDx Variant Classification Process June 2021. Collection method: clinical testing. Allele origin: germline. Affected: yes.
Comment: See Variant Classification Assertion Criteria.

Baylor Genetics
Classification: Uncertain significance for Van Maldergem syndrome 1. Last evaluated: 2020-01-03. Review status: criteria provided, single submitter. Criteria: ACMG Guidelines, 2015. Collection method: clinical testing. Allele origin: unknown. Affected: yes.
Comment: This variant was determined to be of uncertain significance according to ACMG Guidelines, 2015 [PMID:25741868].

Eurofins Ntd Llc (ga)
Classification: Uncertain significance. Last evaluated: 2016-08-02. Review status: criteria provided, single submitter. Criteria: EGL Classification Definitions 2015. Collection method: clinical testing. Allele origin: germline. Observed: 1 variant allele, 1 heterozygote.

PreventionGenetics, part of Exact Sciences
Classification: Likely benign for DCHS1-related condition. Last evaluated: 2019-09-06. Review status: no assertion criteria provided. Collection method: clinical testing. Allele origin: germline. Not counted in ClinVar's aggregate classification.
Comment: This variant is classified as likely benign based on ACMG/AMP sequence variant interpretation guidelines (Richards et al. 2015 PMID: 25741868, with internal and published modifications).

NM_003737.4(DCHS1):c.4072G>A (p.Glu1358Lys)

Gene: DCHS1 (dachsous cadherin-related 1; minus strand). Cytogenetic location: 11p15.4.
Variant type: single nucleotide variant.
Coding change: c.4072G>A on transcript NM_003737.4 (MANE Select); coding-DNA position 4072, G replaced by A.
Protein change: p.Glu1358Lys; replaces glutamic acid 1358 with lysine.
Molecular consequence: missense variant.
Genome position (GRCh38, 1-based): chr11:6,630,722, C>T on the plus strand (G>A on the coding strand, the complement: DCHS1 is on the minus strand). VCF-style: chr11-6630722-C-T. GRCh37 (hg19) VCF-style: chr11-6651953-C-T.
Other names: short protein forms E1358K.
Identifiers: ClinVar variation 289966 (VCV000289966.56), dbSNP rs184586428, ClinGen allele CA5860379.